The following is an entry in ClinVar:

NM_001184.4(ATR):c.475_483dup (p.Arg161_Arg162insLeuHisArg)

Gene: ATR (ATR checkpoint kinase; minus strand). Cytogenetic location: 3q23.
Variant type: Duplication.
Coding change: c.475_483dup on transcript NM_001184.4 (MANE Select); coding-DNA positions 475 to 483, 9 bases duplicated (CTCCATAGA; older notation c.475_483dupCTCCATAGA).
Protein change: p.Arg161_Arg162insLeuHisArg.
Genome position (GRCh38, 1-based): chr3:142,562,919-142,562,927, TCTATGGAG duplicated on the plus strand (CTCCATAGA on the coding strand, the reverse complement: ATR is on the minus strand). VCF-style (leftmost placement, unchanged base first): chr3-142562918-T-TTCTATGGAG. GRCh37 (hg19) VCF-style: chr3-142281760-T-TTCTATGGAG.
Other names: c.475_483dup, p.Arg161_Arg162insLeuHisArg (NM_001354579.2).
Identifiers: ClinVar variation 4769642 (VCV004769642.1).

ClinVar aggregate classification (germline): Uncertain significance (1 of 4 stars; one submission).

Submission:

Labcorp Genetics (formerly Invitae), Labcorp
Classification: Uncertain significance. Last evaluated: 2025-10-15. Review status: criteria provided, single submitter. Criteria: Invitae Variant Classification Sherloc (09022015). Collection method: clinical testing. Allele origin: germline.
Comment: This variant, c.475_483dup, results in the insertion of 3 amino acid(s) of the ATR protein (p.Leu159_Arg161dup), but otherwise preserves the integrity of the reading frame. This variant is not present in population databases (gnomAD no frequency). This variant has not been reported in the literature in individuals affected with ATR-related conditions. In summary, the available evidence is currently insufficient to determine the role of this variant in disease. Therefore, it has been classified as a Variant of Uncertain Significance.